The following is an entry in ClinVar:

NM_016038.4(SBDS):c.589A>G (p.Ile197Val)

Gene: SBDS (SBDS ribosome maturation factor; minus strand). Cytogenetic location: 7q11.21.
Variant type: single nucleotide variant.
Coding change: c.589A>G on transcript NM_016038.4 (MANE Select); coding-DNA position 589, A replaced by G.
Protein change: p.Ile197Val; replaces isoleucine 197 with valine.
Molecular consequence: missense variant.
Genome position (GRCh38, 1-based): chr7:66,991,172, T>C on the plus strand (A>G on the coding strand, the complement: SBDS is on the minus strand). VCF-style: chr7-66991172-T-C. GRCh37 (hg19) VCF-style: chr7-66456159-T-C.
Other names: short protein forms I197V.
Identifiers: ClinVar variation 5029019 (VCV005029019.1).

ClinVar aggregate classification (germline): Uncertain significance (1 of 4 stars; one submission).

Conditions:
Inborn genetic diseases. Identifiers: MedGen C0950123, MeSH D030342.

Submission:

Ambry Genetics
Classification: Uncertain significance for Inborn genetic diseases. Last evaluated: 2026-07-08. Review status: criteria provided, single submitter. Criteria: Ambry Variant Classification Scheme 2023. Collection method: clinical testing. Allele origin: germline.
Comment: The p.I197V variant (also known as c.589A>G), located in coding exon 4 of the SBDS gene, results from an A to G substitution at nucleotide position 589. The isoleucine at codon 197 is replaced by valine, an amino acid with highly similar properties. This amino acid position is conserved. In addition, this alteration is predicted to be tolerated by in silico analysis. Based on the available evidence, the clinical significance of this variant remains unclear.